The following is an entry in ClinVar:

NM_138694.4(PKHD1):c.11113G>A (p.Val3705Ile)

Gene: PKHD1 (PKHD1 ciliary IPT domain containing fibrocystin/polyductin; minus strand). Cytogenetic location: 6p12.3.
Variant type: single nucleotide variant.
Coding change: c.11113G>A on transcript NM_138694.4 (MANE Select); coding-DNA position 11113, G replaced by A.
Protein change: p.Val3705Ile; replaces valine 3705 with isoleucine.
Molecular consequence: missense variant.
Genome position (GRCh38, 1-based): chr6:51,659,013, C>T on the plus strand (G>A on the coding strand, the complement: PKHD1 is on the minus strand). VCF-style: chr6-51659013-C-T. GRCh37 (hg19) VCF-style: chr6-51523811-C-T.
Other names: short protein forms V3705I.
Identifiers: ClinVar variation 839984 (VCV000839984.9), dbSNP rs113697159, ClinGen allele CA138896952.

ClinVar aggregate classification (germline): Uncertain significance. Review status: criteria provided, single submitter (1 of 4 stars). 3 submissions from 3 submitters: Uncertain significance (1). 2 of the submissions do not count toward it. Last evaluated 2022-04-25.

Conditions:
Autosomal recessive polycystic kidney disease (ARPKD). Also called: AR polycystic kidney disease. Identifiers: Orphanet 731, Orphanet 8378, MedGen C0085548, MeSH D017044, MONDO:0009889.
PKHD1-related disorder. Also called: PKHD1-related condition.

Allele frequency attached by ClinVar (database versions not stated): gnomAD exomes below 0.00001; TOPMed 0.00001.
gnomAD v4.1: 1 of 1,613,200 alleles (0.000062%); highest among the groups gnomAD compares: African/African-American, 0.0013%; no homozygotes.

Submissions (3):

Labcorp Genetics (formerly Invitae), Labcorp
Classification: Uncertain significance for Autosomal recessive polycystic kidney disease. Last evaluated: 2022-04-25. Review status: criteria provided, single submitter. Criteria: Invitae Variant Classification Sherloc (09022015). Collection method: clinical testing. Allele origin: germline.
Comment: This sequence change replaces valine, which is neutral and non-polar, with isoleucine, which is neutral and non-polar, at codon 3705 of the PKHD1 protein (p.Val3705Ile). This variant is not present in population databases (gnomAD no frequency). This variant has not been reported in the literature in individuals affected with PKHD1-related conditions. ClinVar contains an entry for this variant (Variation ID: 839984). Advanced modeling of protein sequence and biophysical properties (such as structural, functional, and spatial information, amino acid conservation, physicochemical variation, residue mobility, and thermodynamic stability) performed at Invitae indicates that this missense variant is not expected to disrupt PKHD1 protein function. In summary, the available evidence is currently insufficient to determine the role of this variant in disease. Therefore, it has been classified as a Variant of Uncertain Significance.

PreventionGenetics, part of Exact Sciences
Classification: Uncertain significance for PKHD1-related condition. Last evaluated: 2024-09-20. Review status: no assertion criteria provided. Collection method: clinical testing. Allele origin: germline. Not counted in ClinVar's aggregate classification.
Comment: The PKHD1 c.11113G>A variant is predicted to result in the amino acid substitution p.Val3705Ile. To our knowledge, this variant has not been reported in the literature or in a large population database, indicating this variant is rare. At this time, the clinical significance of this variant is uncertain due to the absence of conclusive functional and genetic evidence.

Natera, Inc.
Classification: Uncertain significance for Autosomal recessive polycystic kidney disease. Last evaluated: 2020-01-24. Review status: no assertion criteria provided. Collection method: clinical testing. Allele origin: germline. Not counted in ClinVar's aggregate classification.